The following is an entry in ClinVar:

ClinVar aggregate classification (germline): Pathogenic (1 of 4 stars; one submission).

Conditions:
Hypohidrotic X-linked ectodermal dysplasia (XHED). Also called: ECTODERMAL DYSPLASIA 1; ECTODERMAL DYSPLASIA 1, HYPOHIDROTIC, X-LINKED; ECTODERMAL DYSPLASIA 1, HYPOHIDROTIC/HAIR/TOOTH TYPE, X-LINKED; Christ-Siemans-Touraine syndrome; Anhidrotic ectodermal dysplasia X-linked; Christ Siemens Touraine syndrome. Identifiers: Orphanet 181, Orphanet 238468, MedGen C0162359, MONDO:0010585, OMIM 305100.

Submission:

Labcorp Genetics (formerly Invitae), Labcorp
Classification: Pathogenic for Hypohidrotic X-linked ectodermal dysplasia. Last evaluated: 2020-05-31. Review status: criteria provided, single submitter. Criteria: Invitae Variant Classification Sherloc (09022015). Collection method: clinical testing. Allele origin: germline.
Comment: This sequence change creates a premature translational stop signal (p.Glu71Aspfs*20) in the EDA gene. It is expected to result in an absent or disrupted protein product. This variant is not present in population databases (ExAC no frequency). This variant has not been reported in the literature in individuals with EDA-related disease. Loss-of-function variants in EDA are known to be pathogenic (PMID: 9683615). For these reasons, this variant has been classified as Pathogenic.

Literature cited by the submitters: PubMed 9683615.

NM_001399.5(EDA):c.213del (p.Glu71fs)

Gene: EDA (ectodysplasin A; plus strand). Cytogenetic location: Xq13.1.
Variant type: Deletion.
Coding change: c.213del on transcript NM_001399.5 (MANE Select); coding-DNA position 213, one base deleted (A; older notation c.213delA).
Protein change: p.Glu71fs; shifts the reading frame from glutamic acid 71.
Molecular consequence: frameshift variant.
Genome position (GRCh38, 1-based): chrX:69,616,521, A deleted; the last of 2 consecutive A bases (chrX:69,616,520-69,616,521); deleting either gives the same sequence. VCF-style (leftmost placement, unchanged base first): chrX-69616519-GA-G. GRCh37 (hg19) VCF-style: chrX-68836363-GA-G.
Other names: c.213del, p.Glu71fs (NM_001005609.2, NM_001005610.4, NM_001005612.3 and 1 more transcripts); short protein forms E71fs.
Identifiers: ClinVar variation 1071552 (VCV001071552.7), dbSNP rs2147197808, ClinGen allele CA2499226807.